The following is an entry in ClinVar:

NM_000156.6(GAMT):c.571-6G>A

Gene: GAMT (guanidinoacetate N-methyltransferase; minus strand). Cytogenetic location: 19p13.3.
Variant type: single nucleotide variant.
Coding change: c.571-6G>A on transcript NM_000156.6 (MANE Select); 6 bases into the intron before coding-DNA position 571, G replaced by A.
Molecular consequence: intron variant.
Genome position (GRCh38, 1-based): chr19:1,397,505, C>T on the plus strand (G>A on the coding strand, the complement: GAMT is on the minus strand). VCF-style: chr19-1397505-C-T. GRCh37 (hg19) VCF-style: chr19-1397504-C-T.
Identifiers: ClinVar variation 129130 (VCV000129130.24), dbSNP rs2074899, ClinGen allele CA288883.

ClinVar aggregate classification (germline): Benign/Likely benign. Review status: criteria provided, multiple submitters, no conflicts (2 of 4 stars). 8 submissions from 8 submitters: Benign (4); Likely benign (1). 3 of the submissions do not count toward it. Last evaluated 2026-02-04.

Conditions:
Cerebral creatine deficiency syndrome. Also called: Creatine deficiency syndromes. Identifiers: Orphanet 79172, MedGen C5244016, MONDO:0000456.
Deficiency of guanidinoacetate methyltransferase (CCDS2). Also called: CEREBRAL CREATINE DEFICIENCY SYNDROME 2; Guanidinoacetate Methyltransferase (GAMT) Deficiency; GAMT DEFICIENCY. Identifiers: Orphanet 382, MedGen C0574080, MONDO:0012999, OMIM 612736.

Allele frequency attached by ClinVar (database versions not stated): ExAC 0.06984; 1000 Genomes Project 0.10883; gnomAD 0.03927 and 0.04569; gnomAD exomes 0.04001 and 0.07685; TOPMed 0.05101; 1000 Genomes Project 30x 0.10556; ESP Exome Variant Server 0.02038.
gnomAD v4.1: 65,326 of 1,601,914 alleles (4.1%); highest among the groups gnomAD compares: East Asian, 25%; 3,667 homozygotes.

Submissions (8):

Labcorp Genetics (formerly Invitae), Labcorp
Classification: Benign for Cerebral creatine deficiency syndrome. Last evaluated: 2026-02-04. Review status: criteria provided, single submitter. Criteria: Invitae Variant Classification Sherloc (09022015). Collection method: clinical testing. Allele origin: germline.

Women's Health and Genetics/Laboratory Corporation of America, LabCorp
Classification: Benign. Last evaluated: 2021-07-26. Review status: criteria provided, single submitter. Criteria: LabCorp Variant Classification Summary - May 2015. Collection method: clinical testing. Allele origin: germline.

GeneDx
Classification: Benign. Last evaluated: 2013-06-14. Review status: criteria provided, single submitter. Criteria: GeneDx Variant Classification (06012015). Collection method: clinical testing. Allele origin: germline. Affected: yes.
Comment: This variant is considered likely benign or benign based on one or more of the following criteria: it is a conservative change, it occurs at a poorly conserved position in the protein, it is predicted to be benign by multiple in silico algorithms, and/or has population frequency not consistent with disease.

Breakthrough Genomics
Classification: Likely benign. Review status: criteria provided, single submitter. Criteria: ACMG Guidelines, 2015. Collection method: not provided. Allele origin: germline. Inheritance: Autosomal recessive inheritance. Affected: yes.

PreventionGenetics, part of Exact Sciences
Classification: Benign. Review status: criteria provided, single submitter. Criteria: ACMG Guidelines, 2015. Collection method: clinical testing. Allele origin: germline.

Natera, Inc.
Classification: Benign for Guanidinoacetate methyltransferase deficiency. Last evaluated: 2020-09-16. Review status: no assertion criteria provided. Collection method: clinical testing. Allele origin: germline. Not counted in ClinVar's aggregate classification.

Mayo Clinic Laboratories, Mayo Clinic
Classification: Benign. Last evaluated: 2016-02-24. Review status: no assertion criteria provided. Collection method: clinical testing. Allele origin: unknown. Not counted in ClinVar's aggregate classification.

Genetic Services Laboratory, University of Chicago
Classification: Likely benign for AllHighlyPenetrant. Review status: no assertion criteria provided. Collection method: clinical testing. Allele origin: germline. Inheritance: Autosomal recessive inheritance. Not counted in ClinVar's aggregate classification.
Comment: Likely benign based on allele frequency in 1000 Genomes Project or ESP global frequency and its presence in a patient with a rare or unrelated disease phenotype. NOT Sanger confirmed.